The following is an entry in ClinVar:

ClinVar aggregate classification (germline): Uncertain significance. Review status: criteria provided, multiple submitters, no conflicts (2 of 4 stars). 2 submissions from 2 submitters: Uncertain significance (2). Last evaluated 2022-02-03.

Conditions:
Jeune thoracic dystrophy. Also called: Jeune syndrome; Infantile thoracic dystrophy; Thoracic pelvic phalangeal dystrophy; Jeune's syndrome; Chondroectodermal dysplasia-like syndrome; Short-rib thoracic dysplasia. Identifiers: Orphanet 474, MedGen C0265275, MONDO:0018770.
Nephronophthisis. Also called: Juvenile Nephronophthisis. Identifiers: Orphanet 655, MedGen C0687120, MONDO:0019005, HP:0000090.

Allele frequency attached by ClinVar (database versions not stated): gnomAD 0.00001; gnomAD exomes 0.00003; ExAC 0.00005.
gnomAD v4.1: 13 of 1,614,062 alleles (0.00081%); highest among the groups gnomAD compares: Non-Finnish European, 0.00017%; no homozygotes.

Submissions (2):

Labcorp Genetics (formerly Invitae), Labcorp
Classification: Uncertain significance for Jeune thoracic dystrophy; Nephronophthisis. Last evaluated: 2022-02-03. Review status: criteria provided, single submitter. Criteria: Invitae Variant Classification Sherloc (09022015). Collection method: clinical testing. Allele origin: germline.
Comment: In summary, the available evidence is currently insufficient to determine the role of this variant in disease. Therefore, it has been classified as a Variant of Uncertain Significance. Algorithms developed to predict the effect of missense changes on protein structure and function are either unavailable or do not agree on the potential impact of this missense change (SIFT: "Deleterious"; PolyPhen-2: "Probably Damaging"; Align-GVGD: "Class C15"). ClinVar contains an entry for this variant (Variation ID: 459286). This variant has not been reported in the literature in individuals affected with TTC21B-related conditions. This variant is present in population databases (rs777801181, gnomAD 0.01%). This sequence change replaces serine, which is neutral and polar, with cysteine, which is neutral and slightly polar, at codon 548 of the TTC21B protein (p.Ser548Cys).

Blueprint Genetics
Classification: Uncertain significance. Last evaluated: 2018-09-24. Review status: criteria provided, single submitter. Criteria: ACMG Guidelines, 2015. Collection method: clinical testing. Allele origin: germline.

NM_024753.5(TTC21B):c.1643C>G (p.Ser548Cys)

Gene: TTC21B (tetratricopeptide repeat domain 21B; minus strand). Cytogenetic location: 2q24.3.
Variant type: single nucleotide variant.
Coding change: c.1643C>G on transcript NM_024753.5 (MANE Select); coding-DNA position 1643, C replaced by G.
Protein change: p.Ser548Cys; replaces serine 548 with cysteine.
Molecular consequence: missense variant.
Genome position (GRCh38, 1-based): chr2:165,919,307, G>C on the plus strand (C>G on the coding strand, the complement: TTC21B is on the minus strand). VCF-style: chr2-165919307-G-C. GRCh37 (hg19) VCF-style: chr2-166775817-G-C.
Other names: short protein forms S548C.
Identifiers: ClinVar variation 459286 (VCV000459286.9), dbSNP rs777801181, ClinGen allele CA1942066.